The following is an entry in ClinVar:

ClinVar aggregate classification (germline): Uncertain significance (1 of 4 stars; one submission).

Allele frequency attached by ClinVar (database versions not stated): gnomAD exomes below 0.00001.
gnomAD v4.1: 1 of 1,613,916 alleles (0.000062%); highest among the groups gnomAD compares: Non-Finnish European, 0.000085%; no homozygotes.

Submission:

Ambry Genetics
Classification: Uncertain significance. Last evaluated: 2024-05-16. Review status: criteria provided, single submitter. Criteria: Ambry Variant Classification Scheme 2023. Collection method: clinical testing. Allele origin: germline.
Comment: The p.A2108G variant (also known as c.6323C>G), located in coding exon 20 of the POLQ gene, results from a C to G substitution at nucleotide position 6323. The alanine at codon 2108 is replaced by glycine, an amino acid with similar properties. This amino acid position is conserved. In addition, this alteration is predicted to be tolerated by in silico analysis. Since supporting evidence is limited at this time, the clinical significance of this alteration remains unclear.

NM_199420.4(POLQ):c.6323C>G (p.Ala2108Gly)

Gene: POLQ (DNA polymerase theta; minus strand). Cytogenetic location: 3q13.33.
Variant type: single nucleotide variant.
Coding change: c.6323C>G on transcript NM_199420.4 (MANE Select); coding-DNA position 6323, C replaced by G.
Protein change: p.Ala2108Gly; replaces alanine 2108 with glycine.
Molecular consequence: missense variant.
Genome position (GRCh38, 1-based): chr3:121,476,622, G>C on the plus strand (C>G on the coding strand, the complement: POLQ is on the minus strand). VCF-style: chr3-121476622-G-C. GRCh37 (hg19) VCF-style: chr3-121195469-G-C.
Other names: short protein forms A2108G.
Identifiers: ClinVar variation 1752860 (VCV001752860.3), dbSNP rs2546777179, ClinGen allele CA354086944.